The following is an entry in ClinVar:

NM_212482.4(FN1):c.2786C>T (p.Pro929Leu)

Gene: FN1 (fibronectin 1; minus strand). Cytogenetic location: 2q35.
Variant type: single nucleotide variant.
Coding change: c.2786C>T on transcript NM_212482.4 (MANE Select); coding-DNA position 2786, C replaced by T.
Protein change: p.Pro929Leu; replaces proline 929 with leucine.
Molecular consequence: missense variant.
Genome position (GRCh38, 1-based): chr2:215,406,438, G>A on the plus strand (C>T on the coding strand, the complement: FN1 is on the minus strand). VCF-style: chr2-215406438-G-A. GRCh37 (hg19) VCF-style: chr2-216271161-G-A.
Other names: c.2786C>T, p.Pro929Leu (NM_001306129.2, NM_001306130.2, NM_001306131.2 and 13 more transcripts); short protein forms P929L.
Identifiers: ClinVar variation 2361715 (VCV002361715.15), dbSNP rs370103949, ClinGen allele CA2094875.
Genomic context (GRCh38, chr2:215,406,438, plus strand): 5'-TCGCCAGGCAGGTTGACGGGGATCACATCCACACGGTAGCCGGTCACTGCACTCTCAGGC[G>A]GTGTCCACATGATGGTGACCTTCACGTCTGTCACTTCCACAAACTGCAGGTCCCTGGGAG-3'
Protein context (NP_997647.2, residues 919-939): TDVKVTIMWT[Pro929Leu]PESAVTGYRV

ClinVar aggregate classification (germline): Uncertain significance. Review status: criteria provided, multiple submitters, no conflicts (2 of 4 stars). 2 submissions from 2 submitters: Uncertain significance (2). Last evaluated 2025-08-01.

Conditions:
Inborn genetic diseases. Identifiers: MedGen C0950123, MeSH D030342.

Allele frequency attached by ClinVar (database versions not stated): ExAC 0.00002; ESP Exome Variant Server 0.00008.
gnomAD v4.1: 112 of 1,613,976 alleles (0.0069%); highest among the groups gnomAD compares: Non-Finnish European, 0.0086%; no homozygotes.

Submissions (2):

CeGaT Center for Human Genetics Tuebingen
Classification: Uncertain significance. Last evaluated: 2025-08-01. Review status: criteria provided, single submitter. Criteria: CeGaT Center For Human Genetics Tuebingen Variant Classification Criteria Version 2. Collection method: clinical testing. Allele origin: germline. Affected: yes. Observed: 1 variant allele.
Comment: FN1: PP2, BP4

Ambry Genetics
Classification: Uncertain significance for Inborn genetic diseases. Last evaluated: 2021-11-16. Review status: criteria provided, single submitter. Criteria: Ambry Variant Classification Scheme 2023. Collection method: clinical testing. Allele origin: germline.